The following is an entry in ClinVar:

ClinVar aggregate classification (germline): Uncertain significance (1 of 4 stars; one submission).

Conditions:
Fanconi anemia (FA). Also called: Fanconi's anemia. Identifiers: Orphanet 84, MedGen C0015625, MeSH D005199, MONDO:0019391.

gnomAD v4.1: 8 of 1,614,046 alleles (0.0005%); highest among the groups gnomAD compares: African/African-American, 0.0013%; no homozygotes.

Submission:

Labcorp Genetics (formerly Invitae), Labcorp
Classification: Uncertain significance for Fanconi anemia. Last evaluated: 2025-07-09. Review status: criteria provided, single submitter. Criteria: Invitae Variant Classification Sherloc (09022015). Collection method: clinical testing. Allele origin: germline.
Comment: This sequence change replaces alanine, which is neutral and non-polar, with valine, which is neutral and non-polar, at codon 916 of the SLX4 protein (p.Ala916Val). This variant is not present in population databases (gnomAD no frequency). This variant has not been reported in the literature in individuals affected with SLX4-related conditions. ClinVar contains an entry for this variant (Variation ID: 1426366). An algorithm developed to predict the effect of missense changes on protein structure and function (PolyPhen-2) suggests that this variant is likely to be tolerated. In summary, the available evidence is currently insufficient to determine the role of this variant in disease. Therefore, it has been classified as a Variant of Uncertain Significance.

NM_032444.4(SLX4):c.2747C>T (p.Ala916Val)

Gene: SLX4 (SLX4 structure-specific endonuclease subunit; minus strand). Cytogenetic location: 16p13.3.
Variant type: single nucleotide variant.
Coding change: c.2747C>T on transcript NM_032444.4 (MANE Select); coding-DNA position 2747, C replaced by T.
Protein change: p.Ala916Val; replaces alanine 916 with valine.
Molecular consequence: missense variant.
Genome position (GRCh38, 1-based): chr16:3,590,891, G>A on the plus strand (C>T on the coding strand, the complement: SLX4 is on the minus strand). VCF-style: chr16-3590891-G-A. GRCh37 (hg19) VCF-style: chr16-3640892-G-A.
Other names: short protein forms A916V.
Identifiers: ClinVar variation 1426366 (VCV001426366.6), dbSNP rs2151125242, ClinGen allele CA394523035.